The following is an entry in ClinVar:

NC_000023.10:g.(?_53562325)_(53675273_?)dup

Genes: HUWE1 (HECT, UBA and WWE domain containing E3 ubiquitin protein ligase 1; minus strand), MIR98 (microRNA 98; minus strand), MIRLET7F2 (microRNA let-7f-2; minus strand). Cytogenetic location: Xp11.22.
Variant type: Duplication.
Identifiers: ClinVar variation 3246851 (VCV003246851.1).

ClinVar aggregate classification (germline): Uncertain significance (1 of 4 stars; one submission).

Submission:

Labcorp Genetics (formerly Invitae), Labcorp
Classification: Uncertain significance. Last evaluated: 2023-06-04. Review status: criteria provided, single submitter. Criteria: Invitae Variant Classification Sherloc (09022015). Collection method: clinical testing. Allele origin: unknown.
Comment: In summary, the available evidence is currently insufficient to determine the role of this variant in disease. Therefore, it has been classified as a Variant of Uncertain Significance. This variant has not been reported in the literature in individuals affected with HUWE1-related conditions. This variant results in a copy number gain of the genomic region encompassing exon(s) 5-81 of the HUWE1 gene. While the exact position of this variant cannot be determined from the data, sub-genic copy number gains are generally in tandem (PMID: 25640679). This variant is predicted to be out-of-frame, and may result in an absent or disrupted protein product. However, the current clinical and genetic evidence is not sufficient to establish whether loss-of-function variants in HUWE1 cause disease.

Literature cited by the submitters: PubMed 25640679.